The following is an entry in ClinVar:

ClinVar aggregate classification (germline): Pathogenic (1 of 4 stars; one submission).

Conditions:
Early-infantile DEE. Also called: Early infantile epileptic encephalopathy with suppression bursts; Early infantile epileptic encephalopathy; Ohtahara syndrome. Identifiers: Orphanet 1934, MedGen C0393706, MONDO:0800491.

Submission:

Labcorp Genetics (formerly Invitae), Labcorp
Classification: Pathogenic for Early-infantile DEE. Last evaluated: 2021-10-29. Review status: criteria provided, single submitter. Criteria: Invitae Variant Classification Sherloc (09022015). Collection method: clinical testing. Allele origin: germline.
Comment: For these reasons, this variant has been classified as Pathogenic. This variant has not been reported in the literature in individuals affected with KCNQ2-related conditions. This variant is not present in population databases (gnomAD no frequency). This sequence change creates a premature translational stop signal (p.Gln286Argfs*33) in the KCNQ2 gene. It is expected to result in an absent or disrupted protein product. Loss-of-function variants in KCNQ2 are known to be pathogenic (PMID: 14534157, 23692823, 27779742).

Literature cited by the submitters: PubMed 14534157; PubMed 23692823; PubMed 27779742.

NM_172107.4(KCNQ2):c.856del (p.Gln286fs)

Gene: KCNQ2 (potassium voltage-gated channel subfamily Q member 2; minus strand). Cytogenetic location: 20q13.33.
Variant type: Deletion.
Coding change: c.856del on transcript NM_172107.4 (MANE Select); coding-DNA position 856, one base deleted (C; older notation c.856delC).
Protein change: p.Gln286fs; shifts the reading frame from glutamine 286.
Molecular consequence: frameshift variant.
Genome position (GRCh38, 1-based): chr20:63,439,669, G deleted on the plus strand (C on the coding strand, the reverse complement: KCNQ2 is on the minus strand); the first of 5 consecutive G bases (chr20:63,439,669-63,439,673); deleting any one gives the same sequence. VCF-style (leftmost placement, unchanged base first): chr20-63439668-TG-T. GRCh37 (hg19) VCF-style: chr20-62071021-TG-T.
Other names: c.856del, p.Gln286fs (NM_001382235.1, NM_004518.6, NM_172106.3 and 2 more transcripts); short protein forms Q286fs.
Identifiers: ClinVar variation 1457121 (VCV001457121.7), dbSNP rs1555870470, ClinGen allele CA2573157304.